The following is an entry in ClinVar:

ClinVar aggregate classification (germline): Uncertain significance (1 of 4 stars; one submission).

Conditions:
Inborn genetic diseases. Identifiers: MedGen C0950123, MeSH D030342.

Submission:

Ambry Genetics
Classification: Uncertain significance for Inborn genetic diseases. Last evaluated: 2025-05-11. Review status: criteria provided, single submitter. Criteria: Ambry Variant Classification Scheme 2023. Collection method: clinical testing. Allele origin: germline.
Comment: The p.Y1059C variant (also known as c.3176A>G), located in coding exon 14 of the FANCM gene, results from an A to G substitution at nucleotide position 3176. The tyrosine at codon 1059 is replaced by cysteine, an amino acid with highly dissimilar properties. This amino acid position is conserved. In addition, this alteration is predicted to be tolerated by in silico analysis. Based on the available evidence, the clinical significance of this variant remains unclear.

NM_020937.4(FANCM):c.3176A>G (p.Tyr1059Cys)

Gene: FANCM (FA complementation group M; plus strand). Cytogenetic location: 14q21.2.
Variant type: single nucleotide variant.
Coding change: c.3176A>G on transcript NM_020937.4 (MANE Select); coding-DNA position 3176, A replaced by G.
Protein change: p.Tyr1059Cys; replaces tyrosine 1059 with cysteine.
Molecular consequence: missense variant.
Genome position (GRCh38, 1-based): chr14:45,175,930, A>G. VCF-style: chr14-45175930-A-G. GRCh37 (hg19) VCF-style: chr14-45645133-A-G.
Other names: c.3098A>G, p.Tyr1033Cys (NM_001308133.2); short protein forms Y1033C, Y1059C.
Identifiers: ClinVar variation 4022775 (VCV004022775.1).